The following is an entry in ClinVar:

ClinVar aggregate classification (germline): Uncertain significance (1 of 4 stars; one submission).

Conditions:
Glycine encephalopathy. Also called: Nonketotic hyperglycinemia; Non-ketotic hyperglycinemia. Identifiers: Orphanet 407, MedGen C0751748, MONDO:0011612, HP:0008288.

Submission:

Labcorp Genetics (formerly Invitae), Labcorp
Classification: Uncertain significance for Glycine encephalopathy. Last evaluated: 2025-12-21. Review status: criteria provided, single submitter. Criteria: Invitae Variant Classification Sherloc (09022015). Collection method: clinical testing. Allele origin: germline.
Comment: This sequence change replaces methionine, which is neutral and non-polar, with threonine, which is neutral and polar, at codon 159 of the GCSH protein (p.Met159Thr). This variant is present in population databases (rs201641155, gnomAD 0.003%). This variant has not been reported in the literature in individuals affected with GCSH-related conditions. An algorithm developed to predict the effect of missense changes on protein structure and function (PolyPhen-2) suggests that this variant is likely to be disruptive. In summary, the available evidence is currently insufficient to determine the role of this variant in disease. Therefore, it has been classified as a Variant of Uncertain Significance.

NM_004483.5(GCSH):c.476T>C (p.Met159Thr)

Gene: GCSH (glycine cleavage system protein H; minus strand). Cytogenetic location: 16q23.2.
Variant type: single nucleotide variant.
Coding change: c.476T>C on transcript NM_004483.5 (MANE Select); coding-DNA position 476, T replaced by C.
Protein change: p.Met159Thr; replaces methionine 159 with threonine.
Molecular consequence: missense variant. On other transcripts: non-coding transcript variant (1).
Genome position (GRCh38, 1-based): chr16:81,082,912, A>G on the plus strand (T>C on the coding strand, the complement: GCSH is on the minus strand). VCF-style: chr16-81082912-A-G. GRCh37 (hg19) VCF-style: chr16-81116517-A-G.
Other names: short protein forms M159T.
Identifiers: ClinVar variation 4691968 (VCV004691968.1).